The following is an entry in ClinVar:

ClinVar aggregate classification (germline): Likely pathogenic (1 of 4 stars; one submission).

Submission:

GeneDx
Classification: Likely pathogenic. Last evaluated: 2022-07-18. Review status: criteria provided, single submitter. Criteria: GeneDx Variant Classification Process June 2021. Collection method: clinical testing. Allele origin: germline. Affected: yes.
Comment: Not observed at significant frequency in large population cohorts (gnomAD); Missense variants in this gene are often considered pathogenic (HGMD); In silico analysis supports that this missense variant has a deleterious effect on protein structure/function; Has not been previously published as pathogenic or benign to our knowledge

NM_002755.4(MAP2K1):c.730T>A (p.Ser244Thr)

Gene: MAP2K1 (mitogen-activated protein kinase kinase 1; plus strand). Cytogenetic location: 15q22.31.
Variant type: single nucleotide variant.
Coding change: c.730T>A on transcript NM_002755.4 (MANE Select); coding-DNA position 730, T replaced by A.
Protein change: p.Ser244Thr; replaces serine 244 with threonine.
Molecular consequence: missense variant.
Genome position (GRCh38, 1-based): chr15:66,485,026, T>A. VCF-style: chr15-66485026-T-A. GRCh37 (hg19) VCF-style: chr15-66777364-T-A.
Other names: c.586T>A, p.Ser196Thr (NM_001411065.1); short protein forms S196T, S244T.
Identifiers: ClinVar variation 1878870 (VCV001878870.1), dbSNP rs730880507, ClinGen allele CA392936970.